The following is an entry in ClinVar:

ClinVar aggregate classification (germline): Uncertain significance (1 of 4 stars; one submission).

Allele frequency attached by ClinVar (database versions not stated): gnomAD exomes below 0.00001.

Submission:

Ambry Genetics
Classification: Uncertain significance. Last evaluated: 2023-10-21. Review status: criteria provided, single submitter. Criteria: Ambry Variant Classification Scheme 2023. Collection method: clinical testing. Allele origin: germline.
Comment: The p.D1837G variant (also known as c.5510A>G), located in coding exon 6 of the ALPK2 gene, results from an A to G substitution at nucleotide position 5510. The aspartic acid at codon 1837 is replaced by glycine, an amino acid with similar properties. This amino acid position is conserved. In addition, the in silico prediction for this alteration is inconclusive. Since supporting evidence is limited at this time, the clinical significance of this alteration remains unclear.

NM_052947.4(ALPK2):c.5510A>G (p.Asp1837Gly)

Gene: ALPK2 (alpha kinase 2; minus strand). Cytogenetic location: 18q21.31.
Variant type: single nucleotide variant.
Coding change: c.5510A>G on transcript NM_052947.4 (MANE Select); coding-DNA position 5510, A replaced by G.
Protein change: p.Asp1837Gly; replaces aspartic acid 1837 with glycine.
Molecular consequence: missense variant.
Genome position (GRCh38, 1-based): chr18:58,524,054, T>C on the plus strand (A>G on the coding strand, the complement: ALPK2 is on the minus strand). VCF-style: chr18-58524054-T-C. GRCh37 (hg19) VCF-style: chr18-56191286-T-C.
Other names: short protein forms D1837G.
Identifiers: ClinVar variation 3228800 (VCV003228800.1), dbSNP rs1239929081, ClinGen allele CA402551878.
Genomic context (GRCh38, chr18:58,524,054, plus strand): 5'-TAATAGAGTCCCTGGTCCTTCGGACTGGCTTGCACGATGGCAAAGGAAACAGTGGAGTTG[T>C]CCCCTGCACTGCAATGAGGAATATTCACATTGACACACTTCATCATTCTACAGTTGCATT-3'
Protein context (NP_443179.3, residues 1827-1847): SIAQVQRSAG[Asp1837Gly]NSTVSFAIVQ